The following is an entry in ClinVar:

NM_001164508.2(NEB):c.22264C>A (p.Gln7422Lys)

Genes: NEB (nebulin; minus strand), RIF1 (replication timing regulatory factor 1; plus strand). Cytogenetic location: 2q23.3.
Variant type: single nucleotide variant.
Coding change: c.22264C>A on transcript NM_001164508.2 (MANE Select); coding-DNA position 22264, C replaced by A.
Protein change: p.Gln7422Lys; replaces glutamine 7422 with lysine.
Molecular consequence: missense variant.
Genome position (GRCh38, 1-based): chr2:151,525,171, G>T on the plus strand (C>A on the coding strand, the complement: NEB is on the minus strand). VCF-style: chr2-151525171-G-T. GRCh37 (hg19) VCF-style: chr2-152381685-G-T.
Other names: c.22264C>A, p.Gln7422Lys (NM_001164507.2); c.22369C>A, p.Gln7457Lys (NM_001271208.2); c.17161C>A, p.Gln5721Lys (NM_004543.5); short protein forms Q7457K, Q7422K, Q5721K.
Identifiers: ClinVar variation 465562 (VCV000465562.7), dbSNP rs369642754, ClinGen allele CA57625489.

ClinVar aggregate classification (germline): Uncertain significance. Review status: criteria provided, single submitter (1 of 4 stars). 2 submissions from 2 submitters: Uncertain significance (1). 1 of the submissions does not count toward it. Last evaluated 2023-06-30.

Conditions:
Nemaline myopathy 2 (NEM2). Also called: Nemaline myopathy 2, autosomal recessive. Identifiers: MedGen C1850569, MONDO:0009725, OMIM 256030.

Allele frequency attached by ClinVar (database versions not stated): TOPMed 0.00001; gnomAD 0.00003 and 0.00004; ESP Exome Variant Server 0.00008.
gnomAD v4.1: 9 of 1,612,538 alleles (0.00056%); highest among the groups gnomAD compares: African/African-American, 0.004%; no homozygotes.

Submissions (2):

Labcorp Genetics (formerly Invitae), Labcorp
Classification: Uncertain significance for Nemaline myopathy 2. Last evaluated: 2023-06-30. Review status: criteria provided, single submitter. Criteria: Invitae Variant Classification Sherloc (09022015). Collection method: clinical testing. Allele origin: germline.
Comment: This variant has not been reported in the literature in individuals affected with NEB-related conditions. In summary, the available evidence is currently insufficient to determine the role of this variant in disease. Therefore, it has been classified as a Variant of Uncertain Significance. Experimental studies and prediction algorithms are not available or were not evaluated, and the functional significance of this variant is currently unknown. ClinVar contains an entry for this variant (Variation ID: 465562). This variant is present in population databases (rs369642754, gnomAD 0.0009%). This sequence change replaces glutamine, which is neutral and polar, with lysine, which is basic and polar, at codon 7457 of the NEB protein (p.Gln7457Lys).

Natera, Inc.
Classification: Uncertain significance for Nemaline myopathy type 2. Last evaluated: 2020-02-26. Review status: no assertion criteria provided. Collection method: clinical testing. Allele origin: germline. Not counted in ClinVar's aggregate classification.